The following is an entry in ClinVar:

NM_000717.5(CA4):c.409A>C (p.Met137Leu)

Gene: CA4 (carbonic anhydrase 4; plus strand). Cytogenetic location: 17q23.1.
Variant type: single nucleotide variant.
Coding change: c.409A>C on transcript NM_000717.5 (MANE Select); coding-DNA position 409, A replaced by C.
Protein change: p.Met137Leu; replaces methionine 137 with leucine.
Molecular consequence: missense variant. On other transcripts: non-coding transcript variant (1).
Genome position (GRCh38, 1-based): chr17:60,157,567, A>C. VCF-style: chr17-60157567-A-C. GRCh37 (hg19) VCF-style: chr17-58234928-A-C.
Other names: c.409A>C (NM_000717.3); short protein forms M137L.
Identifiers: ClinVar variation 3681158 (VCV003681158.3).

ClinVar aggregate classification (germline): Uncertain significance. Review status: criteria provided, multiple submitters, no conflicts (2 of 4 stars). 2 submissions from 2 submitters: Uncertain significance (2). Last evaluated 2025-11-26.

Submissions (2):

Ambry Genetics
Classification: Uncertain significance. Last evaluated: 2025-11-26. Review status: criteria provided, single submitter. Criteria: Ambry Variant Classification Scheme 2023. Collection method: clinical testing. Allele origin: germline.

Labcorp Genetics (formerly Invitae), Labcorp
Classification: Uncertain significance. Last evaluated: 2025-05-12. Review status: criteria provided, single submitter. Criteria: Invitae Variant Classification Sherloc (09022015). Collection method: clinical testing. Allele origin: germline.
Comment: This sequence change replaces methionine, which is neutral and non-polar, with leucine, which is neutral and non-polar, at codon 137 of the CA4 protein (p.Met137Leu). This variant is not present in population databases (gnomAD no frequency). This variant has not been reported in the literature in individuals affected with CA4-related conditions. ClinVar contains an entry for this variant (Variation ID: 3681158). Invitae Evidence Modeling of protein sequence and biophysical properties (such as structural, functional, and spatial information, amino acid conservation, physicochemical variation, residue mobility, and thermodynamic stability) indicates that this missense variant is not expected to disrupt CA4 protein function with a negative predictive value of 80%. In summary, the available evidence is currently insufficient to determine the role of this variant in disease. Therefore, it has been classified as a Variant of Uncertain Significance.